The following is an entry in ClinVar:

ClinVar aggregate classification (germline): Uncertain significance (1 of 4 stars; one submission).

Conditions:
Hereditary sensory and autonomic neuropathy type 6. Also called: HSAN VI; Neuropathy, hereditary sensory and autonomic, type VI. Identifiers: Orphanet 314381, MedGen C3539003, MONDO:0013839, OMIM 614653.
Epidermolysis bullosa simplex 3, localized or generalized intermediate, with BP230 deficiency (EBS3). Also called: Epidermolysis bullosa simplex, autosomal recessive 2; Epidermolysis bullosa simplex due to BP230 deficiency. Identifiers: Orphanet 412181, MedGen C3809470, MONDO:0014180, OMIM 615425.

Allele frequency attached by ClinVar (database versions not stated): gnomAD exomes below 0.00001; gnomAD 0.00001; TOPMed 0.00003.
gnomAD v4.1: 4 of 1,614,028 alleles (0.00025%); highest among the groups gnomAD compares: African/African-American, 0.0053%; no homozygotes.

Submission:

Labcorp Genetics (formerly Invitae), Labcorp
Classification: Uncertain significance for Epidermolysis bullosa simplex 3, localized or generalized intermediate, with BP230 deficiency; Hereditary sensory and autonomic neuropathy type 6. Last evaluated: 2019-06-07. Review status: criteria provided, single submitter. Criteria: Invitae Variant Classification Sherloc (09022015). Collection method: clinical testing. Allele origin: germline.
Comment: In summary, the available evidence is currently insufficient to determine the role of this variant in disease. Therefore, it has been classified as a Variant of Uncertain Significance. This sequence change replaces aspartic acid with glycine at codon 2256 of the DST protein (p.Asp2256Gly). The aspartic acid residue is weakly conserved and there is a moderate physicochemical difference between aspartic acid and glycine. This variant is not present in population databases (ExAC no frequency). This variant has not been reported in the literature in individuals with DST-related conditions. Algorithms developed to predict the effect of missense changes on protein structure and function are either unavailable or do not agree on the potential impact of this missense change (SIFT: "Tolerated"; PolyPhen-2: "Possibly Damaging"; Align-GVGD: "Class C0").

NM_001723.7(DST):c.6767A>G (p.Asp2256Gly)

Gene: DST (dystonin; minus strand). Cytogenetic location: 6p12.1.
Variant type: single nucleotide variant.
Coding change: c.6767A>G on transcript NM_001723.7 (MANE Plus Clinical); coding-DNA position 6767, A replaced by G.
Protein change: p.Asp2256Gly; replaces aspartic acid 2256 with glycine.
Molecular consequence: missense variant. On other transcripts: intron variant (10).
Genome position (GRCh38, 1-based): chr6:56,616,700, T>C on the plus strand (A>G on the coding strand, the complement: DST is on the minus strand). VCF-style: chr6-56616700-T-C. GRCh37 (hg19) VCF-style: chr6-56481498-T-C.
Other names: c.4831-2216A>G (NM_001144769.5); c.4930-2216A>G (NM_001374722.1, NM_001374736.1); c.4957-2216A>G (NM_001374734.1); c.4417-2216A>G (NM_001144770.2); c.4297-2216A>G (NM_001374730.1, NM_001386100.1, NM_183380.4 and 1 more transcripts); c.3319-2216A>G (NM_015548.5); short protein forms D2256G.
Identifiers: ClinVar variation 935981 (VCV000935981.10), dbSNP rs994095589, ClinGen allele CA139207863.